The following is an entry in ClinVar:

ClinVar aggregate classification (germline): Benign/Likely benign. Review status: criteria provided, multiple submitters, no conflicts (2 of 4 stars). 2 submissions from 2 submitters: Benign (1); Likely benign (1). Last evaluated 2025-12-08.

Conditions:
Autosomal dominant childhood-onset proximal spinal muscular atrophy with contractures (SMALED2A). Also called: SPINAL MUSCULAR ATROPHY, LOWER EXTREMITY-PREDOMINANT, 2A, CHILDHOOD ONSET, AUTOSOMAL DOMINANT; Spinal muscular atrophy, lower extremity-predominant, 2A, autosomal dominant. Identifiers: Orphanet 363447, Orphanet 363454, MedGen C4747715, MONDO:0014121, OMIM 615290.

Allele frequency attached by ClinVar (database versions not stated): TOPMed 0.00002.
gnomAD v4.1: 82 of 1,593,950 alleles (0.0051%); highest among the groups gnomAD compares: Non-Finnish European, 0.0015%; no homozygotes.

Submissions (2):

Labcorp Genetics (formerly Invitae), Labcorp
Classification: Benign for Autosomal dominant childhood-onset proximal spinal muscular atrophy with contractures. Last evaluated: 2025-12-08. Review status: criteria provided, single submitter. Criteria: Invitae Variant Classification Sherloc (09022015). Collection method: clinical testing. Allele origin: germline.

GeneDx
Classification: Likely benign. Last evaluated: 2018-01-04. Review status: criteria provided, single submitter. Criteria: GeneDx Variant Classification (06012015). Collection method: clinical testing. Allele origin: germline. Affected: yes.
Comment: This variant is considered likely benign or benign based on one or more of the following criteria: it is a conservative change, it occurs at a poorly conserved position in the protein, it is predicted to be benign by multiple in silico algorithms, and/or has population frequency not consistent with disease.

NM_001003800.2(BICD2):c.2258+18G>A

Gene: BICD2 (BICD cargo adaptor 2; minus strand). Cytogenetic location: 9q22.31.
Variant type: single nucleotide variant.
Coding change: c.2258+18G>A on transcript NM_001003800.2 (MANE Select); 18 bases into the intron after coding-DNA position 2258, G replaced by A.
Molecular consequence: intron variant.
Genome position (GRCh38, 1-based): chr9:92,717,779, C>T on the plus strand (G>A on the coding strand, the complement: BICD2 is on the minus strand). VCF-style: chr9-92717779-C-T. GRCh37 (hg19) VCF-style: chr9-95480061-C-T.
Other names: c.2258+18G>A (NM_015250.4).
Identifiers: ClinVar variation 514431 (VCV000514431.9), dbSNP rs376177099, ClinGen allele CA5126358.
Genomic context (GRCh38, chr9:92,717,779, plus strand): 5'-GAGGCTAAGGGTTCCAGAGGCAAGTGCTGAGGACAGCTGGCCTTGTGGAAGGGGAGGGCC[C>T]GACAGCAGCACGGTTACCTGGTGGCAAACATAGCACGCAGCGAGGAGAAGGTGGCTGCGT-3'